The following is an entry in ClinVar:

NM_001242896.3(DEPDC5):c.999_1000del (p.Val334fs)

Gene: DEPDC5 (DEP domain containing 5, GATOR1 subcomplex subunit; plus strand). Cytogenetic location: 22q12.3.
Variant type: Deletion.
Coding change: c.999_1000del on transcript NM_001242896.3 (MANE Select); coding-DNA positions 999 to 1000, 2 bases deleted (AG; older notation c.999_1000delAG).
Protein change: p.Val334fs; shifts the reading frame from valine 334.
Molecular consequence: frameshift variant. On other transcripts: non-coding transcript variant (5).
Genome position (GRCh38, 1-based): chr22:31,802,756-31,802,757, AG deleted. VCF-style (leftmost placement, unchanged base first): chr22-31802755-CAG-C. GRCh37 (hg19) VCF-style: chr22-32198741-CAG-C.
Other names: c.999_1000del, p.Val334fs (NM_001007188.4, NM_001136029.4, NM_001242897.2 and 7 more transcripts); c.915_916del, p.Val306fs (NM_001369901.1, NM_001369902.1); short protein forms V306fs, V334fs.
Identifiers: ClinVar variation 817431 (VCV000817431.1), dbSNP rs1601969933, ClinGen allele CA915952307.

ClinVar aggregate classification (germline): Likely pathogenic (1 of 4 stars; one submission).

Submission:

GeneDx
Classification: Likely pathogenic. Last evaluated: 2019-02-01. Review status: criteria provided, single submitter. Criteria: GeneDx Variant Classification (06012015). Collection method: clinical testing. Allele origin: germline. Affected: yes.
Comment: A variant that is likely pathogenic has been identified in the DEPDC5 gene. The c.999_1000delAG variant has not been published as a pathogenic variant, nor has it been reported as a benign variant to our knowledge. The c.999_1000delAG variant in the DEPDC5 gene causes a frameshift starting with codon Valine 334, changes this amino acid to a Glycine residue and creates a premature Stop codon at position 10 of the new reading frame, denoted p.Val334GlyfsX10. This pathogenic variant is predicted to cause loss of normal protein function either through protein truncation or nonsense-mediated mRNA decay. The c.999_1000delAG variant is not observed in large population cohorts (Lek et al., 2016). Therefore, this variant is likely pathogenic; however, the possibility that it is benign cannot be excluded.